The following is an entry in ClinVar:

ClinVar aggregate classification (germline): Likely pathogenic. Review status: criteria provided, multiple submitters, no conflicts (2 of 4 stars). 4 submissions from 4 submitters: Likely pathogenic (4). Last evaluated 2024-08-30.

Conditions:
Intellectual developmental disorder, autosomal dominant 48. Also called: MENTAL RETARDATION, AUTOSOMAL DOMINANT 48; Intellectual disability, autosomal dominant 48. Identifiers: Orphanet 500159, MedGen C4540321, MONDO:0030913, OMIM 617751.

Submissions (4):

GeneDx
Classification: Likely pathogenic. Last evaluated: 2024-08-30. Review status: criteria provided, single submitter. Criteria: GeneDx Variant Classification Process June 2021. Collection method: clinical testing. Allele origin: germline.
Comment: In silico analysis supports that this missense variant has a deleterious effect on protein structure/function; Not observed at significant frequency in large population cohorts (gnomAD); This variant is associated with the following publications: (PMID: 32860008, 37059841, 38502138)

Daryl Scott Lab, Baylor College of Medicine
Classification: Likely pathogenic for Intellectual developmental disorder, autosomal dominant 48. Last evaluated: 2023-11-10. Review status: criteria provided, single submitter. Criteria: ACMG Guidelines, 2015. Collection method: clinical testing. Allele origin: de novo. Affected: yes.

Baylor Genetics
Classification: Likely pathogenic for Intellectual developmental disorder, autosomal dominant 48. Last evaluated: 2018-04-05. Review status: criteria provided, single submitter. Criteria: ACMG Guidelines, 2015. Collection method: clinical testing. Allele origin: de novo. Affected: yes.
Comment: This variant was determined to be likely pathogenic according to ACMG Guidelines, 2015 [PMID:25741868].

CENTOGENE GmbH and LLC - Guiding Precision Medicine
Classification: Likely pathogenic for Intellectual developmental disorder, autosomal dominant 48. Review status: criteria provided, single submitter. Criteria: ACMG Guidelines, 2015. Collection method: clinical testing. Allele origin: de novo. Affected: yes.

Literature cited by the submitters: PubMed 32860008 (cited by CENTOGENE GmbH and LLC - Guiding Precision Medicine).

NM_006908.5(RAC1):c.198A>T (p.Arg66Ser)

Gene: RAC1 (Rac family small GTPase 1; plus strand). Cytogenetic location: 7p22.1.
Variant type: single nucleotide variant.
Coding change: c.198A>T on transcript NM_006908.5 (MANE Select); coding-DNA position 198, A replaced by T.
Protein change: p.Arg66Ser; replaces arginine 66 with serine.
Molecular consequence: missense variant.
Genome position (GRCh38, 1-based): chr7:6,392,014, A>T. VCF-style: chr7-6392014-A-T. GRCh37 (hg19) VCF-style: chr7-6431645-A-T.
Other names: c.198A>T, p.Arg66Ser (NM_018890.4); short protein forms R66S.
Identifiers: ClinVar variation 974895 (VCV000974895.5), dbSNP rs1783105291, ClinGen allele CA366761392.